The following is an entry in ClinVar:

NM_001177316.2(SLC34A3):c.1166T>C (p.Leu389Pro)

Gene: SLC34A3 (solute carrier family 34 member 3; plus strand). Cytogenetic location: 9q34.3.
Variant type: single nucleotide variant.
Coding change: c.1166T>C on transcript NM_001177316.2 (MANE Select); coding-DNA position 1166, T replaced by C.
Protein change: p.Leu389Pro; replaces leucine 389 with proline.
Molecular consequence: missense variant.
Genome position (GRCh38, 1-based): chr9:137,234,488, T>C. VCF-style: chr9-137234488-T-C. GRCh37 (hg19) VCF-style: chr9-140128940-T-C.
Other names: c.1166T>C, p.Leu389Pro (NM_001177317.2, NM_080877.3); short protein forms L389P.
Identifiers: ClinVar variation 1995839 (VCV001995839.4), dbSNP rs2538814210, ClinGen allele CA375737456.

ClinVar aggregate classification (germline): Uncertain significance (1 of 4 stars; one submission).

Submission:

Labcorp Genetics (formerly Invitae), Labcorp
Classification: Uncertain significance. Last evaluated: 2022-05-17. Review status: criteria provided, single submitter. Criteria: Invitae Variant Classification Sherloc (09022015). Collection method: clinical testing. Allele origin: germline.
Comment: In summary, the available evidence is currently insufficient to determine the role of this variant in disease. Therefore, it has been classified as a Variant of Uncertain Significance. Algorithms developed to predict the effect of missense changes on protein structure and function (SIFT, PolyPhen-2, Align-GVGD) all suggest that this variant is likely to be disruptive. This variant has not been reported in the literature in individuals affected with SLC34A3-related conditions. This variant is not present in population databases (gnomAD no frequency). This sequence change replaces leucine, which is neutral and non-polar, with proline, which is neutral and non-polar, at codon 389 of the SLC34A3 protein (p.Leu389Pro).